The following is an entry in ClinVar:

NM_014989.7(RIMS1):c.647C>T (p.Ser216Leu)

Gene: RIMS1 (regulating synaptic membrane exocytosis 1; plus strand). Cytogenetic location: 6q13.
Variant type: single nucleotide variant.
Coding change: c.647C>T on transcript NM_014989.7 (MANE Select); coding-DNA position 647, C replaced by T.
Protein change: p.Ser216Leu; replaces serine 216 with leucine.
Molecular consequence: missense variant.
Genome position (GRCh38, 1-based): chr6:72,179,750, C>T. VCF-style: chr6-72179750-C-T. GRCh37 (hg19) VCF-style: chr6-72889453-C-T.
Other names: short protein forms S216L.
Identifiers: ClinVar variation 857958 (VCV000857958.10), dbSNP rs373901709, ClinGen allele CA3885561.

ClinVar aggregate classification (germline): Uncertain significance (1 of 4 stars; one submission).

Allele frequency attached by ClinVar (database versions not stated): gnomAD exomes below 0.00001 and 0.00001; TOPMed 0.00001; ExAC 0.00002; ESP Exome Variant Server 0.00008.
gnomAD v4.1: 4 of 1,613,824 alleles (0.00025%); highest among the groups gnomAD compares: Non-Finnish European, 0.00034%; no homozygotes.

Submission:

Labcorp Genetics (formerly Invitae), Labcorp
Classification: Uncertain significance. Last evaluated: 2019-12-27. Review status: criteria provided, single submitter. Criteria: Invitae Variant Classification Sherloc (09022015). Collection method: clinical testing. Allele origin: germline.
Comment: In summary, the available evidence is currently insufficient to determine the role of this variant in disease. Therefore, it has been classified as a Variant of Uncertain Significance. Algorithms developed to predict the effect of missense changes on protein structure and function (SIFT, PolyPhen-2, Align-GVGD) all suggest that this variant is likely to be disruptive, but these predictions have not been confirmed by published functional studies and their clinical significance is uncertain. This variant has not been reported in the literature in individuals with RIMS1-related conditions. This variant is present in population databases (rs373901709, ExAC 0.003%). This sequence change replaces serine with leucine at codon 216 of the RIMS1 protein (p.Ser216Leu). The serine residue is highly conserved and there is a large physicochemical difference between serine and leucine.